The following is an entry in ClinVar:

NM_020877.5(DNAH2):c.6843C>T (p.Tyr2281=)

Gene: DNAH2 (dynein axonemal heavy chain 2; plus strand). Cytogenetic location: 17p13.1.
Variant type: single nucleotide variant.
Coding change: c.6843C>T on transcript NM_020877.5 (MANE Select); coding-DNA position 6843, C replaced by T.
Protein change: p.Tyr2281=; no amino-acid change (tyrosine 2281 retained).
Molecular consequence: synonymous variant.
Genome position (GRCh38, 1-based): chr17:7,788,187, C>T. VCF-style: chr17-7788187-C-T. GRCh37 (hg19) VCF-style: chr17-7691505-C-T.
Identifiers: ClinVar variation 777124 (VCV000777124.7), dbSNP rs11871543, ClinGen allele CA8357886.
Genomic context (GRCh38, chr17:7,788,187, plus strand): 5'-CAACAAGATGCTGGCCTTTAAGAAGGACAACTGCAAGGAGCTGGTGCCCCTGCCCGAGTA[C>T]AGCGGTATCACCTCCCTCTGCAAGCTGTACTCTGCCCTGGCCACGCCAGAGAATGGGGTA-3'
Protein context (NP_065928.2, residues 2271-2291): NCKELVPLPE[Tyr2281=]SGITSLCKLY

ClinVar aggregate classification (germline): Benign. Review status: criteria provided, multiple submitters, no conflicts (2 of 4 stars). 3 submissions from 3 submitters: Benign (2). 1 of the submissions does not count toward it. Last evaluated 2019-12-31.

Conditions:
DNAH2-related disorder. Also called: DNAH2-related condition.

Allele frequency attached by ClinVar (database versions not stated): gnomAD exomes 0.00242 and 0.00572; ExAC 0.00837; gnomAD 0.02001 and 0.02149; ESP Exome Variant Server 0.02153; 1000 Genomes Project 0.02157; TOPMed 0.02353; 1000 Genomes Project 30x 0.02467.
gnomAD v4.1: 6,749 of 1,611,932 alleles (0.42%); highest among the groups gnomAD compares: African/African-American, 6.8%; 184 homozygotes.

Submissions (3):

Labcorp Genetics (formerly Invitae), Labcorp
Classification: Benign. Last evaluated: 2019-12-31. Review status: criteria provided, single submitter. Criteria: Invitae Variant Classification Sherloc (09022015). Collection method: clinical testing. Allele origin: germline.

Breakthrough Genomics
Classification: Benign. Review status: criteria provided, single submitter. Criteria: ACMG Guidelines, 2015. Collection method: not provided. Allele origin: germline. Inheritance: Autosomal recessive inheritance. Affected: yes.

PreventionGenetics, part of Exact Sciences
Classification: Benign for DNAH2-related condition. Last evaluated: 2019-02-22. Review status: no assertion criteria provided. Collection method: clinical testing. Allele origin: germline. Not counted in ClinVar's aggregate classification.
Comment: This variant is classified as benign based on ACMG/AMP sequence variant interpretation guidelines (Richards et al. 2015 PMID: 25741868, with internal and published modifications).